The following is an entry in ClinVar:

ClinVar aggregate classification (germline): Uncertain significance (1 of 4 stars; one submission).

Conditions:
Hereditary cancer-predisposing syndrome. Also called: Tumor predisposition; Hereditary Cancer Syndrome; Hereditary neoplastic syndrome; Neoplastic Syndromes, Hereditary. Identifiers: Orphanet 140162, MedGen C0027672, MeSH D009386, MONDO:0015356.

Submission:

Ambry Genetics
Classification: Uncertain significance for Hereditary cancer-predisposing syndrome. Last evaluated: 2024-06-14. Review status: criteria provided, single submitter. Criteria: Ambry Variant Classification Scheme 2023. Collection method: clinical testing. Allele origin: germline.
Comment: The p.A1004V variant (also known as c.3011C>T), located in coding exon 13 of the MET gene, results from a C to T substitution at nucleotide position 3011. The alanine at codon 1004 is replaced by valine, an amino acid with similar properties. This amino acid position is highly conserved in available vertebrate species. In addition, the in silico prediction for this alteration is inconclusive. Based on the available evidence, the clinical significance of this variant remains unclear.

NM_000245.4(MET):c.2957C>T (p.Ala986Val)

Gene: MET (MET proto-oncogene, receptor tyrosine kinase; plus strand). Cytogenetic location: 7q31.2.
Variant type: single nucleotide variant.
Coding change: c.2957C>T on transcript NM_000245.4 (MANE Select); coding-DNA position 2957, C replaced by T.
Protein change: p.Ala986Val; replaces alanine 986 with valine.
Molecular consequence: missense variant.
Genome position (GRCh38, 1-based): chr7:116,771,918, C>T. VCF-style: chr7-116771918-C-T. GRCh37 (hg19) VCF-style: chr7-116411972-C-T.
Other names: c.3011C>T, p.Ala1004Val (NM_001127500.3); c.1667C>T, p.Ala556Val (NM_001324402.2); short protein forms A1004V, A556V, A986V.
Identifiers: ClinVar variation 3294378 (VCV003294378.1).
Genomic context (GRCh38, chr7:116,771,918, plus strand): 5'-GTGAATTAGTTCGCTACGATGCAAGAGTACACACTCCTCATTTGGATAGGCTTGTAAGTG[C>T]CCGAAGTGTAAGCCCAACTACAGAAATGGTTTCAAATGAATCTGTAGACTACCGAGCTAC-3'
Protein context (NP_000236.2, residues 976-996): HTPHLDRLVS[Ala986Val]RSVSPTTEMV